The following is an entry in ClinVar:

ClinVar aggregate classification (germline): Uncertain significance (1 of 4 stars; one submission).

Conditions:
Inborn genetic diseases. Identifiers: MedGen C0950123, MeSH D030342.

gnomAD v4.1: 2 of 1,613,972 alleles (0.00012%); highest among the groups gnomAD compares: Non-Finnish European, 0.00017%; no homozygotes.

Submission:

Ambry Genetics
Classification: Uncertain significance for Inborn genetic diseases. Last evaluated: 2024-04-06. Review status: criteria provided, single submitter. Criteria: Ambry Variant Classification Scheme 2023. Collection method: clinical testing. Allele origin: germline.
Comment: The p.I239V variant (also known as c.715A>G), located in coding exon 8 of the ERCC2 gene, results from an A to G substitution at nucleotide position 715. The isoleucine at codon 239 is replaced by valine, an amino acid with highly similar properties. This amino acid position is conserved. In addition, the in silico prediction for this alteration is inconclusive. Based on the available evidence, the clinical significance of this variant remains unclear.

NM_000400.4(ERCC2):c.715A>G (p.Ile239Val)

Gene: ERCC2 (ERCC excision repair 2, TFIIH core complex helicase subunit; minus strand). Cytogenetic location: 19q13.32.
Variant type: single nucleotide variant.
Coding change: c.715A>G on transcript NM_000400.4 (MANE Select); coding-DNA position 715, A replaced by G.
Protein change: p.Ile239Val; replaces isoleucine 239 with valine.
Molecular consequence: missense variant.
Genome position (GRCh38, 1-based): chr19:45,364,427, T>C on the plus strand (A>G on the coding strand, the complement: ERCC2 is on the minus strand). VCF-style: chr19-45364427-T-C. GRCh37 (hg19) VCF-style: chr19-45867685-T-C.
Other names: c.643A>G, p.Ile215Val (NM_001130867.2); short protein forms I215V, I239V.
Identifiers: ClinVar variation 3276246 (VCV003276246.1).